The following is an entry in ClinVar:

ClinVar aggregate classification (germline): Conflicting classifications of pathogenicity. Review status: criteria provided, conflicting classifications (1 of 4 stars). 2 submissions from 2 submitters: Uncertain significance (1); Likely benign (1). Last evaluated 2025-08-12.

Conditions:
Cardiovascular phenotype. Identifiers: MedGen CN230736.
Myofibrillar myopathy 5. Also called: Filaminopathy (type); FILAMINOPATHY, AUTOSOMAL DOMINANT. Identifiers: Orphanet 171445, MedGen C1836050, MONDO:0012289, OMIM 609524.
Distal myopathy with posterior leg and anterior hand involvement. Also called: WILLIAMS DISTAL MYOPATHY. Identifiers: Orphanet 63273, MedGen C3279722, MONDO:0013550, OMIM 614065.
Hypertrophic cardiomyopathy 26. Also called: Cardiomyopathy, familial hypertrophic, 26. Identifiers: Orphanet 75249, MedGen C4310749, MONDO:0014883, OMIM 617047.

Allele frequency attached by ClinVar (database versions not stated): TOPMed below 0.00001; gnomAD exomes 0.00001; ExAC 0.00002.

Submissions (2):

Ambry Genetics
Classification: Uncertain significance for Cardiovascular phenotype. Last evaluated: 2025-08-12. Review status: criteria provided, single submitter. Criteria: Ambry Variant Classification Scheme 2023. Collection method: clinical testing. Allele origin: germline.
Comment: The p.R421Q variant (also known as c.1262G>A), located in coding exon 8 of the FLNC gene, results from a G to A substitution at nucleotide position 1262. The arginine at codon 421 is replaced by glutamine, an amino acid with highly similar properties. This amino acid position is conserved. In addition, this alteration is predicted to be tolerated by in silico analysis. Based on the available evidence, the clinical significance of this variant remains unclear.

Labcorp Genetics (formerly Invitae), Labcorp
Classification: Likely benign for Distal myopathy with posterior leg and anterior hand involvement; Myofibrillar myopathy 5; Hypertrophic cardiomyopathy 26. Last evaluated: 2025-07-21. Review status: criteria provided, single submitter. Criteria: Invitae Variant Classification Sherloc (09022015). Collection method: clinical testing. Allele origin: germline.

NM_001458.5(FLNC):c.1262G>A (p.Arg421Gln)

Gene: FLNC (filamin C; plus strand). Cytogenetic location: 7q32.1.
Variant type: single nucleotide variant.
Coding change: c.1262G>A on transcript NM_001458.5 (MANE Select); coding-DNA position 1262, G replaced by A.
Protein change: p.Arg421Gln; replaces arginine 421 with glutamine.
Molecular consequence: missense variant.
Genome position (GRCh38, 1-based): chr7:128,838,654, G>A. VCF-style: chr7-128838654-G-A. GRCh37 (hg19) VCF-style: chr7-128478708-G-A.
Other names: c.1262G>A, p.Arg421Gln (NM_001127487.2); short protein forms R421Q.
Identifiers: ClinVar variation 847479 (VCV000847479.11), dbSNP rs751236317, ClinGen allele CA4474293.